The following is an entry in ClinVar:

NM_032977.4(CASP10):c.879C>A (p.Ser293Arg)

Gene: CASP10 (caspase 10; plus strand). Cytogenetic location: 2q33.1.
Variant type: single nucleotide variant.
Coding change: c.879C>A on transcript NM_032977.4 (MANE Select); coding-DNA position 879, C replaced by A.
Protein change: p.Ser293Arg; replaces serine 293 with arginine.
Molecular consequence: missense variant. On other transcripts: intron variant (1).
Genome position (GRCh38, 1-based): chr2:201,208,140, C>A. VCF-style: chr2-201208140-C-A. GRCh37 (hg19) VCF-style: chr2-202072863-C-A.
Other names: c.750C>A, p.Ser250Arg (NM_001206542.2, NM_001230.5); c.879C>A, p.Ser293Arg (NM_032974.5); c.787C>A, p.Leu263Ile (NM_032976.4); c.722-930C>A (NM_001206524.2); short protein forms S293R, S250R, L263I.
Identifiers: ClinVar variation 333431 (VCV000333431.13), dbSNP rs369897442, ClinGen allele CA2053088.

ClinVar aggregate classification (germline): Conflicting classifications of pathogenicity. Review status: criteria provided, conflicting classifications (1 of 4 stars). 3 submissions from 3 submitters: Uncertain significance (2); Likely benign (1). Last evaluated 2025-11-28.

Conditions:
Autoimmune lymphoproliferative syndrome type 2A (ALPS2A). Also called: CASP10-Related Autoimmune Lymphoproliferative Syndrome; AUTOIMMUNE LYMPHOPROLIFERATIVE SYNDROME, TYPE IIA; Autoimmune lymphoproliferative syndrome type 2. Identifiers: Orphanet 3261, MedGen C1858968, MONDO:0011383, OMIM 603909.

Allele frequency attached by ClinVar (database versions not stated): ExAC 0.00002; gnomAD exomes 0.00002 and 0.00004; gnomAD 0.00003; TOPMed 0.00003; ESP Exome Variant Server 0.00008.
gnomAD v4.1: 58 of 1,613,952 alleles (0.0036%); highest among the groups gnomAD compares: Admixed American, 0.005%; no homozygotes.

Submissions (3):

Labcorp Genetics (formerly Invitae), Labcorp
Classification: Uncertain significance for Autoimmune lymphoproliferative syndrome type 2A. Last evaluated: 2025-11-28. Review status: criteria provided, single submitter. Criteria: Invitae Variant Classification Sherloc (09022015). Collection method: clinical testing. Allele origin: germline.
Comment: This sequence change replaces serine, which is neutral and polar, with arginine, which is basic and polar, at codon 293 of the CASP10 protein (p.Ser293Arg). This variant is present in population databases (rs369897442, gnomAD 0.009%). This variant has not been reported in the literature in individuals affected with CASP10-related conditions. ClinVar contains an entry for this variant (Variation ID: 333431). Invitae Evidence Modeling of protein sequence and biophysical properties (such as structural, functional, and spatial information, amino acid conservation, physicochemical variation, residue mobility, and thermodynamic stability) indicates that this missense variant is not expected to disrupt CASP10 protein function with a negative predictive value of 80%. In summary, the available evidence is currently insufficient to determine the role of this variant in disease. Therefore, it has been classified as a Variant of Uncertain Significance.

Ambry Genetics
Classification: Uncertain significance. Last evaluated: 2025-06-08. Review status: criteria provided, single submitter. Criteria: Ambry Variant Classification Scheme 2023. Collection method: clinical testing. Allele origin: germline.

Illumina Laboratory Services, Illumina
Classification: Likely benign for Autoimmune lymphoproliferative syndrome type 2A. Last evaluated: 2018-01-13. Review status: criteria provided, single submitter. Criteria: ICSL Variant Classification Criteria 13 December 2019. Collection method: clinical testing. Allele origin: germline.
Comment: This variant was observed in the ICSL laboratory as part of a predisposition screen in an ostensibly healthy population. It had not been previously curated by ICSL or reported in the Human Gene Mutation Database (HGMD: prior to June 1st, 2018), and was therefore a candidate for classification through an automated scoring system. Utilizing variant allele frequency, disease prevalence and penetrance estimates, and inheritance mode, an automated score was calculated to assess if this variant is too frequent to cause the disease. Based on the score and internal cut-off values, a variant classified as likely benign is not then subjected to further curation. The score for this variant resulted in a classification of likely benign for this disease.